The following is an entry in ClinVar:

NM_000370.3(TTPA):c.*1487G>A

Gene: TTPA (alpha tocopherol transfer protein; minus strand). Cytogenetic location: 8q12.3.
Variant type: single nucleotide variant.
Coding change: c.*1487G>A on transcript NM_000370.3 (MANE Select); 1487 bases downstream of the stop codon, G replaced by A.
Molecular consequence: 3 prime UTR variant.
Genome position (GRCh38, 1-based): chr8:63,059,765, C>T on the plus strand (G>A on the coding strand, the complement: TTPA is on the minus strand). VCF-style: chr8-63059765-C-T. GRCh37 (hg19) VCF-style: chr8-63972324-C-T.
Identifiers: ClinVar variation 363533 (VCV000363533.6), dbSNP rs6472068, ClinGen allele CA10631398.
Genomic context (GRCh38, chr8:63,059,765, plus strand): 5'-ATGATATCTTTCTTAATAAATGAAATATTATAAACTGCAGTAGAAACAGTACATCTTTAC[C>T]GGTTATTTATTTATTTATTTTTATTTTTATTTTTTAATTTTTTTTGAGAACACATGGACA-3'

ClinVar aggregate classification (germline): Benign. Review status: criteria provided, multiple submitters, no conflicts (2 of 4 stars). 2 submissions from 2 submitters: Benign (2). Last evaluated 2018-01-13.

Conditions:
Familial isolated deficiency of vitamin E (AVED). Also called: ATAXIA, FRIEDREICH-LIKE, WITH SELECTIVE VITAMIN E DEFICIENCY; Ataxia with isolated vitamin E deficiency. Identifiers: Orphanet 96, MedGen C1848533, MONDO:0010188, OMIM 277460.

Allele frequency attached by ClinVar (database versions not stated): gnomAD 0.51193 and 0.51778; TOPMed 0.51648; 1000 Genomes Project 0.52835; 1000 Genomes Project 30x 0.53685.

Submissions (2):

Illumina Laboratory Services, Illumina
Classification: Benign for Familial isolated deficiency of vitamin E. Last evaluated: 2018-01-13. Review status: criteria provided, single submitter. Criteria: ICSL Variant Classification Criteria 13 December 2019. Collection method: clinical testing. Allele origin: germline.
Comment: This variant was observed in the ICSL laboratory as part of a predisposition screen in an ostensibly healthy population. It had not been previously curated by ICSL or reported in the Human Gene Mutation Database (HGMD: prior to June 1st, 2018), and was therefore a candidate for classification through an automated scoring system. Utilizing variant allele frequency, disease prevalence and penetrance estimates, and inheritance mode, an automated score was calculated to assess if this variant is too frequent to cause the disease. Based on the score and internal cut-off values, a variant classified as benign is not then subjected to further curation. The score for this variant resulted in a classification of benign for this disease.

Breakthrough Genomics
Classification: Benign. Review status: criteria provided, single submitter. Criteria: ACMG Guidelines, 2015. Collection method: not provided. Allele origin: germline. Inheritance: Autosomal recessive inheritance. Affected: yes.